The following is an entry in ClinVar:

ClinVar aggregate classification (germline): Pathogenic (1 of 4 stars; one submission).

Conditions:
Glycogen storage disease, type IV (GSD4). Also called: AMYLOPECTINOSIS; ANDERSEN DISEASE; BRANCHER DEFICIENCY; CIRRHOSIS, FAMILIAL, WITH DEPOSITION OF ABNORMAL GLYCOGEN; GBE1 DEFICIENCY; GLYCOGEN BRANCHING ENZYME DEFICIENCY. Identifiers: Orphanet 367, MedGen C0017923, MONDO:0009292, OMIM 232500.

Submission:

Myriad Genetics, Inc.
Classification: Pathogenic for Glycogen storage disease, type IV. Last evaluated: 2026-08-05. Review status: criteria provided, single submitter. Criteria: Myriad Autosomal Dominant, Autosomal Recessive and X-Linked Classification Criteria (2023). Collection method: clinical testing. Allele origin: unknown.
Comment: NM_000158.3(GBE1):c.544delC(H182Tfs*16) is expected to be pathogenic in the context of glycogen storage disease, GBE1-related. This variant is predicted to lead to an abnormal or absent protein product due to the creation of a premature termination codon in GBE1, a gene where loss-of-function variants are known to be pathogenic. Please note: this variant was assessed in the context of healthy population screening.

NM_000158.4(GBE1):c.544del (p.His182fs)

Gene: GBE1 (1,4-alpha-glucan branching enzyme 1; minus strand). Cytogenetic location: 3p12.2.
Variant type: Deletion.
Coding change: c.544del on transcript NM_000158.4 (MANE Select); coding-DNA position 544, one base deleted (C; older notation c.544delC).
Protein change: p.His182fs; shifts the reading frame from histidine 182.
Molecular consequence: frameshift variant.
Genome position (GRCh38, 1-based): chr3:81,649,807, G deleted on the plus strand (C on the coding strand, the reverse complement: GBE1 is on the minus strand). VCF-style (leftmost placement, unchanged base first): chr3-81649806-TG-T. GRCh37 (hg19) VCF-style: chr3-81698957-TG-T.
Other names: short protein forms H182fs.
Identifiers: ClinVar variation 5016198 (VCV005016198.1).
Genomic context (GRCh38, chr3:81,649,806, plus strand): 5'-TTCCTAGAAATATTGGAACAATAATTTATTTAAAGATTTGTTGTTCTCACCTCATATGAG[TG>T]TTCTGGATCCCAGTGTATCCAATCATAATTCACATTATCACCTTCACGAACCACATACTT-3'